The following is an entry in ClinVar:

NM_000334.4(SCN4A):c.4018-222A>T

Genes: GH-LCR (growth hormone locus control region; plus strand), SCN4A (sodium voltage-gated channel alpha subunit 4; minus strand). Cytogenetic location: 17q23.3.
Variant type: single nucleotide variant.
Coding change: c.4018-222A>T on transcript NM_000334.4 (MANE Select); 222 bases into the intron before coding-DNA position 4018, A replaced by T.
Molecular consequence: intron variant.
Genome position (GRCh38, 1-based): chr17:63,943,318, T>A on the plus strand (A>T on the coding strand, the complement: SCN4A is on the minus strand). VCF-style: chr17-63943318-T-A. GRCh37 (hg19) VCF-style: chr17-62020678-T-A.
Identifiers: ClinVar variation 670524 (VCV000670524.1), dbSNP rs12949493, ClinGen allele CA15914440.

ClinVar aggregate classification (germline): Likely benign (1 of 4 stars; one submission).

Allele frequency attached by ClinVar (database versions not stated): 1000 Genomes Project 30x 0.01390; 1000 Genomes Project 0.01438; TOPMed 0.01795; gnomAD 0.02695 and 0.02729.
gnomAD v4.1: 2,967 of 109,554 alleles (2.7%); highest among the groups gnomAD compares: Non-Finnish European, 4.2%; 36 homozygotes.

Submission:

GeneDx
Classification: Likely benign. Last evaluated: 2018-06-14. Review status: criteria provided, single submitter. Criteria: GeneDx Variant Classification (06012015). Collection method: clinical testing. Allele origin: germline. Affected: yes.
Comment: This variant is considered likely benign or benign based on one or more of the following criteria: it is a conservative change, it occurs at a poorly conserved position in the protein, it is predicted to be benign by multiple in silico algorithms, and/or has population frequency not consistent with disease.